The following is an entry in ClinVar:

ClinVar aggregate classification (germline): Pathogenic (1 of 4 stars; one submission).

Submission:

Labcorp Genetics (formerly Invitae), Labcorp
Classification: Pathogenic. Last evaluated: 2020-10-15. Review status: criteria provided, single submitter. Criteria: Invitae Variant Classification Sherloc (09022015). Collection method: clinical testing. Allele origin: germline.
Comment: For these reasons, this variant has been classified as Pathogenic. This variant has not been reported in the literature in individuals with COL4A5-related conditions. This variant is not present in population databases (ExAC no frequency). This sequence change creates a premature translational stop signal (p.Gly466*) in the COL4A5 gene. It is expected to result in an absent or disrupted protein product. Loss-of-function variants in COL4A5 are known to be pathogenic (PMID: 9195222, 10752524, 14514738, 24854265, 26809805).

Literature cited by the submitters: PubMed 9195222; PubMed 10752524; PubMed 14514738; PubMed 24854265; PubMed 26809805.

NM_033380.3(COL4A5):c.1396G>T (p.Gly466Ter)

Gene: COL4A5 (collagen type IV alpha 5 chain; plus strand). Cytogenetic location: Xq22.3.
Variant type: single nucleotide variant.
Coding change: c.1396G>T on transcript NM_033380.3 (MANE Select); coding-DNA position 1396, G replaced by T.
Protein change: p.Gly466Ter; replaces glycine 466 with a stop codon.
Molecular consequence: nonsense.
Genome position (GRCh38, 1-based): chrX:108,591,617, G>T. VCF-style: chrX-108591617-G-T. GRCh37 (hg19) VCF-style: chrX-107834847-G-T.
Other names: c.1396G>T, p.Gly466Ter (NM_000495.5); short protein forms G466*.
Identifiers: ClinVar variation 1074092 (VCV001074092.7), dbSNP rs2147798143, ClinGen allele CA413934747.